The following is an entry in ClinVar:

ClinVar aggregate classification (germline): Uncertain significance (1 of 4 stars; one submission).

Conditions:
Intellectual developmental disorder, autosomal dominant 6, with or without seizures. Also called: Intellectual disability, autosomal dominant 6; GRIN2B-related developmental delay, intellectual disability and autism spectrum disorder. Identifiers: Orphanet 589547, MedGen C3151411, MONDO:0013509, OMIM 613970.
Developmental and epileptic encephalopathy, 27 (DEE27). Also called: Epileptic encephalopathy, early infantile, 27; GRIN2B-Related Neurodevelopmental Disorder. Identifiers: Orphanet 3451, MedGen C4015316, MONDO:0014505, OMIM 616139.

gnomAD v4.1: 1 of 1,614,234 alleles (0.000062%); highest among the groups gnomAD compares: Non-Finnish European, 0.000085%; no homozygotes.

Submission:

Labcorp Genetics (formerly Invitae), Labcorp
Classification: Uncertain significance for Developmental and epileptic encephalopathy, 27; Intellectual developmental disorder, autosomal dominant 6, with or without seizures. Last evaluated: 2022-12-06. Review status: criteria provided, single submitter. Criteria: Invitae Variant Classification Sherloc (09022015). Collection method: clinical testing. Allele origin: germline.
Comment: ClinVar contains an entry for this variant (Variation ID: 948230). Advanced modeling of protein sequence and biophysical properties (such as structural, functional, and spatial information, amino acid conservation, physicochemical variation, residue mobility, and thermodynamic stability) performed at Invitae indicates that this missense variant is not expected to disrupt GRIN2B protein function. In summary, the available evidence is currently insufficient to determine the role of this variant in disease. Therefore, it has been classified as a Variant of Uncertain Significance. This variant has not been reported in the literature in individuals affected with GRIN2B-related conditions. This variant is not present in population databases (gnomAD no frequency). This sequence change replaces proline, which is neutral and non-polar, with alanine, which is neutral and non-polar, at codon 952 of the GRIN2B protein (p.Pro952Ala).

NM_000834.5(GRIN2B):c.2854C>G (p.Pro952Ala)

Gene: GRIN2B (glutamate ionotropic receptor NMDA type subunit 2B; minus strand). Cytogenetic location: 12p13.1.
Variant type: single nucleotide variant.
Coding change: c.2854C>G on transcript NM_000834.5 (MANE Select); coding-DNA position 2854, C replaced by G.
Protein change: p.Pro952Ala; replaces proline 952 with alanine.
Molecular consequence: missense variant.
Genome position (GRCh38, 1-based): chr12:13,564,384, G>C on the plus strand (C>G on the coding strand, the complement: GRIN2B is on the minus strand). VCF-style: chr12-13564384-G-C. GRCh37 (hg19) VCF-style: chr12-13717318-G-C.
Other names: short protein forms P952A.
Identifiers: ClinVar variation 948230 (VCV000948230.10), dbSNP rs1565454641, ClinGen allele CA383993171.